The following is an entry in ClinVar:

NC_000002.11:g.(?_44547318)_(44586854_?)del

Genes: PREPL (prolyl endopeptidase like; minus strand), SLC3A1 (solute carrier family 3 member 1; plus strand). Cytogenetic location: 2p21.
Variant type: Deletion.
Identifiers: ClinVar variation 2422935 (VCV002422935.3).

ClinVar aggregate classification (germline): Pathogenic (1 of 4 stars; one submission).

Conditions:
Cystinuria (CSNU). Also called: CYSTINURIA, TYPE I; CYSTINURIA, TYPE II; CYSTINURIA, TYPE III; Cystinuria, non-type I. Identifiers: Orphanet 214, MedGen C0010691, MONDO:0009067, OMIM 220100, HP:0003131.

Submission:

Labcorp Genetics (formerly Invitae), Labcorp
Classification: Pathogenic for Cystinuria. Last evaluated: 2022-01-14. Review status: criteria provided, single submitter. Criteria: Invitae Variant Classification Sherloc (09022015). Collection method: clinical testing. Allele origin: germline.
Comment: This variant is a gross deletion of the genomic region encompassing exon(s) 10 of the SLC3A1 gene, which includes the termination codon. This deletion extends beyond the assayed region for this gene and therefore may encompass additional genes. If PREPL has been tested and no copy number events are reported for it, then the 3' boundary of this event lies between the SLC3A1 and PREPL genes. This deletion is expected to alter mRNA translation or to result in a truncated or absent protein product. A similar copy number variant has been observed in individuals with cystinuria (PMID: 10737983, 19782624). It has also been observed to segregate with disease in related individuals. For these reasons, this variant has been classified as Pathogenic.

Literature cited by the submitters: PubMed 10737983; PubMed 19782624.